The following is an entry in ClinVar:

ClinVar aggregate classification (germline): Uncertain significance (1 of 4 stars; one submission).

Submission:

GeneDx
Classification: Uncertain significance. Last evaluated: 2026-02-13. Review status: criteria provided, single submitter. Criteria: GeneDx Variant Classification Process June 2021. Collection method: clinical testing. Allele origin: germline.
Comment: Not observed at significant frequency in large population cohorts (gnomAD); In silico analysis suggests that this missense variant does not alter protein structure/function; Has not been previously published as pathogenic or benign to our knowledge

NM_001282874.2(SMARCA1):c.2686A>T (p.Met896Leu)

Gene: SMARCA1 (SNF2 related chromatin remodeling ATPase 1; minus strand). Cytogenetic location: Xq25.
Variant type: single nucleotide variant.
Coding change: c.2686A>T on transcript NM_001282874.2 (MANE Select); coding-DNA position 2686, A replaced by T.
Protein change: p.Met896Leu; replaces methionine 896 with leucine.
Molecular consequence: missense variant.
Genome position (GRCh38, 1-based): chrX:129,468,785, T>A on the plus strand (A>T on the coding strand, the complement: SMARCA1 is on the minus strand). VCF-style: chrX-129468785-T-A. GRCh37 (hg19) VCF-style: chrX-128602762-T-A.
Other names: c.2650A>T, p.Met884Leu (NM_001282875.2, NM_001378262.1, NM_001378263.1 and 1 more transcripts); c.2686A>T, p.Met896Leu (NM_001378261.1, NM_003069.5); short protein forms M884L, M896L.
Identifiers: ClinVar variation 5008531 (VCV005008531.1).